The following is an entry in ClinVar:

ClinVar aggregate classification (germline): Uncertain significance (1 of 4 stars; one submission).

Conditions:
FG syndrome (FGS). Identifiers: MedGen C0220769, MONDO:0002010.

Submission:

Labcorp Genetics (formerly Invitae), Labcorp
Classification: Uncertain significance for FG syndrome. Last evaluated: 2022-04-05. Review status: criteria provided, single submitter. Criteria: Invitae Variant Classification Sherloc (09022015). Collection method: clinical testing. Allele origin: germline.
Comment: This variant has not been reported in the literature in individuals affected with MED12-related conditions. This variant is not present in population databases (gnomAD no frequency). This variant, c.2058_2060del, results in the deletion of 1 amino acid(s) of the MED12 protein (p.Leu686del), but otherwise preserves the integrity of the reading frame. Experimental studies and prediction algorithms are not available or were not evaluated, and the functional significance of this variant is currently unknown. In summary, the available evidence is currently insufficient to determine the role of this variant in disease. Therefore, it has been classified as a Variant of Uncertain Significance. Algorithms developed to predict the effect of sequence changes on RNA splicing suggest that this variant may disrupt the consensus splice site.

NC_000023.11:g.71124975GTT[1]

Gene: MED12 (mediator complex subunit 12; plus strand). Cytogenetic location: Xq13.1.
Variant type: Microsatellite.
Genome position: GRCh38 VCF-style: chrX-71124974-AGTT-A. GRCh37 (hg19) VCF-style: chrX-70344824-AGTT-A.
Identifiers: ClinVar variation 1947656 (VCV001947656.5), dbSNP rs2519677498, ClinGen allele CA2580612347.